The following is an entry in ClinVar:

ClinVar aggregate classification (germline): Uncertain significance (1 of 4 stars; one submission).

Submission:

GeneDx
Classification: Uncertain significance. Last evaluated: 2020-10-14. Review status: criteria provided, single submitter. Criteria: GeneDx Variant Classification Process June 2021. Collection method: clinical testing. Allele origin: germline. Affected: yes.
Comment: Not observed in large population cohorts (Lek et al., 2016); In silico analysis supports that this missense variant does not alter protein structure/function; Has not been previously published as pathogenic or benign to our knowledge

NM_024496.4(IRF2BPL):c.977G>T (p.Gly326Val)

Gene: IRF2BPL (interferon regulatory factor 2 binding protein like; minus strand). Cytogenetic location: 14q24.3.
Variant type: single nucleotide variant.
Coding change: c.977G>T on transcript NM_024496.4 (MANE Select); coding-DNA position 977, G replaced by T.
Protein change: p.Gly326Val; replaces glycine 326 with valine.
Molecular consequence: missense variant.
Genome position (GRCh38, 1-based): chr14:77,026,816, C>A on the plus strand (G>T on the coding strand, the complement: IRF2BPL is on the minus strand). VCF-style: chr14-77026816-C-A. GRCh37 (hg19) VCF-style: chr14-77493159-C-A.
Other names: short protein forms G326V.
Identifiers: ClinVar variation 1313264 (VCV001313264.2), dbSNP rs1388318177, ClinGen allele CA390497139.
Genomic context (GRCh38, chr14:77,026,816, plus strand): 5'-TCCTTCAACTCGCGCTCCTGGTCTGTGCTCGACACCGAGCCGGGCCTCTTACCACCAGCA[C>A]CCACGCCCACCTCTGCCACCGACGAAGAGGTCGAAGACGACGCGGAGGACGACGTGGCCG-3'
Protein context (NP_078772.1, residues 316-336): TSSSVAEVGV[Gly326Val]AGGKRPGSVS